The following is an entry in ClinVar:

ClinVar aggregate classification (germline): Uncertain significance. Review status: criteria provided, multiple submitters, no conflicts (2 of 4 stars). 2 submissions from 2 submitters: Uncertain significance (2). Last evaluated 2022-08-19.

Allele frequency attached by ClinVar (database versions not stated): ESP Exome Variant Server 0.00015.
gnomAD v4.1: 139 of 1,614,046 alleles (0.0086%); highest among the groups gnomAD compares: Admixed American, 0.073%; no homozygotes.

Submissions (2):

Labcorp Genetics (formerly Invitae), Labcorp
Classification: Uncertain significance. Last evaluated: 2022-08-19. Review status: criteria provided, single submitter. Criteria: Invitae Variant Classification Sherloc (09022015). Collection method: clinical testing. Allele origin: germline.
Comment: This sequence change replaces arginine, which is basic and polar, with histidine, which is basic and polar, at codon 1174 of the TTC37 protein (p.Arg1174His). This variant is present in population databases (rs149287861, gnomAD 0.07%). This variant has not been reported in the literature in individuals affected with TTC37-related conditions. ClinVar contains an entry for this variant (Variation ID: 1385861). Algorithms developed to predict the effect of missense changes on protein structure and function output the following: SIFT: "Tolerated"; PolyPhen-2: "Benign"; Align-GVGD: "Class C0". The histidine amino acid residue is found in multiple mammalian species, which suggests that this missense change does not adversely affect protein function. In summary, the available evidence is currently insufficient to determine the role of this variant in disease. Therefore, it has been classified as a Variant of Uncertain Significance.

Women's Health and Genetics/Laboratory Corporation of America, LabCorp
Classification: Uncertain significance. Last evaluated: 2022-05-20. Review status: criteria provided, single submitter. Criteria: LabCorp Variant Classification Summary - May 2015. Collection method: clinical testing. Allele origin: germline.
Comment: Variant summary: TTC37 c.3521G>A (p.Arg1174His) results in a non-conservative amino acid change in the encoded protein sequence. Four of five in-silico tools predict a benign effect of the variant on protein function. The variant allele was found at a frequency of 0.00013 in 251458 control chromosomes. This frequency is not significantly higher than estimated for a pathogenic variant in TTC37 causing Trichohepatoenteric Syndrome (0.00013 vs 0.00093), allowing no conclusion about variant significance. To our knowledge, no occurrence of c.3521G>A in individuals affected with Trichohepatoenteric Syndrome and no experimental evidence demonstrating its impact on protein function have been reported. One clinical diagnostic laboratory has submitted clinical-significance assessments for this variant to ClinVar after 2014 without evidence for independent evaluation and classified the variant as uncertain significance. Based on the evidence outlined above, the variant was classified as uncertain significance.

NM_014639.4(SKIC3):c.3521G>A (p.Arg1174His)

Gene: SKIC3 (SKI3 subunit of superkiller complex; minus strand). Cytogenetic location: 5q15.
Variant type: single nucleotide variant.
Coding change: c.3521G>A on transcript NM_014639.4 (MANE Select); coding-DNA position 3521, G replaced by A.
Protein change: p.Arg1174His; replaces arginine 1174 with histidine.
Molecular consequence: missense variant.
Genome position (GRCh38, 1-based): chr5:95,498,412, C>T on the plus strand (G>A on the coding strand, the complement: SKIC3 is on the minus strand). VCF-style: chr5-95498412-C-T. GRCh37 (hg19) VCF-style: chr5-94834116-C-T.
Other names: short protein forms R1174H.
Identifiers: ClinVar variation 1385861 (VCV001385861.5), dbSNP rs149287861, ClinGen allele CA3346704.